The following is an entry in ClinVar:

ClinVar aggregate classification (germline): Uncertain significance. Review status: criteria provided, multiple submitters, no conflicts (2 of 4 stars). 2 submissions from 2 submitters: Uncertain significance (2). Last evaluated 2025-08-23.

gnomAD v4.1: 2 of 1,614,098 alleles (0.00012%); highest among the groups gnomAD compares: Middle Eastern, 0.017%; no homozygotes.

Submissions (2):

Ambry Genetics
Classification: Uncertain significance. Last evaluated: 2025-08-23. Review status: criteria provided, single submitter. Criteria: Ambry Variant Classification Scheme 2023. Collection method: clinical testing. Allele origin: germline.

CeGaT Center for Human Genetics Tuebingen
Classification: Uncertain significance. Last evaluated: 2023-06-01. Review status: criteria provided, single submitter. Criteria: CeGaT Center For Human Genetics Tuebingen Variant Classification Criteria Version 2. Collection method: clinical testing. Allele origin: germline. Affected: yes. Observed: 1 variant allele.
Comment: DUOX1: PM2, PP3

NM_175940.3(DUOX1):c.4392G>T (p.Arg1464Ser)

Gene: DUOX1 (dual oxidase 1; plus strand). Cytogenetic location: 15q21.1.
Variant type: single nucleotide variant.
Coding change: c.4392G>T on transcript NM_175940.3 (MANE Select); coding-DNA position 4392, G replaced by T.
Protein change: p.Arg1464Ser; replaces arginine 1464 with serine.
Molecular consequence: missense variant.
Genome position (GRCh38, 1-based): chr15:45,163,675, G>T. VCF-style: chr15-45163675-G-T. GRCh37 (hg19) VCF-style: chr15-45455873-G-T.
Other names: c.4392G>T, p.Arg1464Ser (NM_017434.5); c.4392G>T (NM_017434.3); short protein forms R1464S.
Identifiers: ClinVar variation 2645301 (VCV002645301.25), dbSNP rs756922124, ClinGen allele CA392267209.